The following is an entry in ClinVar:

ClinVar aggregate classification (germline): Uncertain significance (1 of 4 stars; one submission).

Conditions:
Cardiovascular phenotype. Identifiers: MedGen CN230736.

gnomAD v4.1: 1 of 1,612,778 alleles (0.000062%); highest among the groups gnomAD compares: South Asian, 0.0011%; no homozygotes.

Submission:

Ambry Genetics
Classification: Uncertain significance for Cardiovascular phenotype. Last evaluated: 2025-08-28. Review status: criteria provided, single submitter. Criteria: Ambry Variant Classification Scheme 2023. Collection method: clinical testing. Allele origin: germline.
Comment: The p.R1724L variant (also known as c.5171G>T), located in coding exon 13 of the TNXB gene, results from a G to T substitution at nucleotide position 5171. The arginine at codon 1724 is replaced by leucine, an amino acid with dissimilar properties. This amino acid position is conserved. In addition, this alteration is predicted to be tolerated by in silico analysis. Based on the available evidence, the clinical significance of this variant remains unclear.

NM_001365276.2(TNXB):c.5171G>T (p.Arg1724Leu)

Gene: TNXB (tenascin XB; minus strand). Cytogenetic location: 6p21.33.
Variant type: single nucleotide variant.
Coding change: c.5171G>T on transcript NM_001365276.2 (MANE Select); coding-DNA position 5171, G replaced by T.
Protein change: p.Arg1724Leu; replaces arginine 1724 with leucine.
Molecular consequence: missense variant.
Genome position (GRCh38, 1-based): chr6:32,070,234, C>A on the plus strand (G>T on the coding strand, the complement: TNXB is on the minus strand). VCF-style: chr6-32070234-C-A. GRCh37 (hg19) VCF-style: chr6-32038011-C-A.
Other names: c.5912G>T, p.Arg1971Leu (NM_001428335.1); c.5171G>T, p.Arg1724Leu (NM_019105.8); short protein forms R1724L, R1971L.
Identifiers: ClinVar variation 4188724 (VCV004188724.1).
Genomic context (GRCh38, chr6:32,070,234, plus strand): 5'-AGGCCATAGAGGAGGAATCTGTACTTGCGGCCGGCATCCAGAGGGGTGACAGTGACAGAG[C>A]GCTCATGGCCCTCCACGGGCACCACCTGGGGCCCGTCTTTGTCCTTGAACTGGACCACAA-3'
Protein context (NP_001352205.1, residues 1714-1734): PQVVPVEGHE[Arg1724Leu]SVTVTPLDAG